The following is an entry in ClinVar:

NM_001232.4(CASQ2):c.919G>A (p.Asp307Asn)

Gene: CASQ2 (calsequestrin 2; minus strand). Cytogenetic location: 1p13.1.
Variant type: single nucleotide variant.
Coding change: c.919G>A on transcript NM_001232.4 (MANE Select); coding-DNA position 919, G replaced by A.
Protein change: p.Asp307Asn; replaces aspartic acid 307 with asparagine.
Molecular consequence: missense variant.
Genome position (GRCh38, 1-based): chr1:115,705,212, C>T on the plus strand (G>A on the coding strand, the complement: CASQ2 is on the minus strand). VCF-style: chr1-115705212-C-T. GRCh37 (hg19) VCF-style: chr1-116247833-C-T.
Other names: short protein forms D307N.
Identifiers: ClinVar variation 3221470 (VCV003221470.1), dbSNP rs121434549, ClinGen allele CA1023696.
Genomic context (GRCh38, chr1:115,705,212, plus strand): 5'-GACAGCAACTGAGGGTGGGGCGCTGGCTGGAGCCACTCACCAGAGGAAAGTCGTCCGGGT[C>T]GATCCACAGGATGCTCAGATCGGGGTTGTCAGTATTGTCCCGGGCAACCTGTTTCAGGAT-3'
Protein context (NP_001223.2, residues 297-317): DNPDLSILWI[Asp307Asn]PDDFPLLVAY

ClinVar aggregate classification (germline): Uncertain significance (1 of 4 stars; one submission).

Conditions:
Cardiovascular phenotype. Identifiers: MedGen CN230736.

Allele frequency attached by ClinVar (database versions not stated): ExAC 0.00002.

Submission:

Ambry Genetics
Classification: Uncertain significance for Cardiovascular phenotype. Last evaluated: 2024-02-28. Review status: criteria provided, single submitter. Criteria: Ambry Variant Classification Scheme 2023. Collection method: clinical testing. Allele origin: germline.
Comment: The p.D307N variant (also known as c.919G>A), located in coding exon 9 of the CASQ2 gene, results from a G to A substitution at nucleotide position 919. The aspartic acid at codon 307 is replaced by asparagine, an amino acid with highly similar properties. This amino acid position is highly conserved in available vertebrate species. In addition, the in silico prediction for this alteration is inconclusive. Based on the available evidence, the clinical significance of this alteration remains unclear.